The following is an entry in ClinVar:

NM_198253.3(TERT):c.2283C>T (p.Ser761=)

Gene: TERT (telomerase reverse transcriptase; minus strand). Cytogenetic location: 5p15.33.
Variant type: single nucleotide variant.
Coding change: c.2283C>T on transcript NM_198253.3 (MANE Select); coding-DNA position 2283, C replaced by T.
Protein change: p.Ser761=; no amino-acid change (serine 761 retained).
Molecular consequence: synonymous variant. On other transcripts: non-coding transcript variant (2).
Genome position (GRCh38, 1-based): chr5:1,278,644, G>A on the plus strand (C>T on the coding strand, the complement: TERT is on the minus strand). VCF-style: chr5-1278644-G-A. GRCh37 (hg19) VCF-style: chr5-1278759-G-A.
Other names: c.2283C>T, p.Ser761= (NM_001193376.3).
Identifiers: ClinVar variation 471859 (VCV000471859.16), dbSNP rs370808390, ClinGen allele CA3184611.

ClinVar aggregate classification (germline): Likely benign. Review status: criteria provided, multiple submitters, no conflicts (2 of 4 stars). 3 submissions from 3 submitters: Likely benign (2). 1 of the submissions does not count toward it. Last evaluated 2025-10-09.

Conditions:
Idiopathic Pulmonary Fibrosis. Also called: Idiopathic fibrosing alveolitis, chronic form; idiopathic fibrosing alveolitis. Identifiers: Orphanet 2032, MedGen C1800706, MeSH D054990, MONDO:0800504.
Dyskeratosis congenita, autosomal dominant 2. Identifiers: MedGen C3151443, MONDO:0013521, OMIM 613989.
TERT-related disorder. Also called: TERT-related disorders; TERT-related condition.
Dyskeratosis congenita. Identifiers: Orphanet 1775, MedGen C0265965, MONDO:0015780.

Allele frequency attached by ClinVar (database versions not stated): ExAC 0.00003; gnomAD exomes 0.00003 and 0.00023; gnomAD 0.00005; TOPMed 0.00005; ESP Exome Variant Server 0.00008.
gnomAD v4.1: 329 of 1,614,008 alleles (0.02%); highest among the groups gnomAD compares: Non-Finnish European, 0.027%; no homozygotes.

Submissions (3):

Labcorp Genetics (formerly Invitae), Labcorp
Classification: Likely benign for Dyskeratosis congenita, autosomal dominant 2; Idiopathic Pulmonary Fibrosis. Last evaluated: 2025-10-09. Review status: criteria provided, single submitter. Criteria: Invitae Variant Classification Sherloc (09022015). Collection method: clinical testing. Allele origin: germline.

Ambry Genetics
Classification: Likely benign for Dyskeratosis congenita. Last evaluated: 2022-02-23. Review status: criteria provided, single submitter. Criteria: Ambry Variant Classification Scheme 2023. Collection method: clinical testing. Allele origin: germline.

PreventionGenetics, part of Exact Sciences
Classification: Likely benign for TERT-related condition. Last evaluated: 2019-07-15. Review status: no assertion criteria provided. Collection method: clinical testing. Allele origin: germline. Not counted in ClinVar's aggregate classification.
Comment: This variant is classified as likely benign based on ACMG/AMP sequence variant interpretation guidelines (Richards et al. 2015 PMID: 25741868, with internal and published modifications).